The following is an entry in ClinVar:

ClinVar aggregate classification (germline): Uncertain significance (1 of 4 stars; one submission).

Allele frequency attached by ClinVar (database versions not stated): TOPMed below 0.00001.

Submission:

Labcorp Genetics (formerly Invitae), Labcorp
Classification: Uncertain significance. Last evaluated: 2022-03-10. Review status: criteria provided, single submitter. Criteria: Invitae Variant Classification Sherloc (09022015). Collection method: clinical testing. Allele origin: germline.
Comment: In summary, the available evidence is currently insufficient to determine the role of this variant in disease. Therefore, it has been classified as a Variant of Uncertain Significance. Algorithms developed to predict the effect of missense changes on protein structure and function are either unavailable or do not agree on the potential impact of this missense change (SIFT: "Deleterious"; PolyPhen-2: "Benign"; Align-GVGD: "Class C0"). ClinVar contains an entry for this variant (Variation ID: 1026277). This variant has not been reported in the literature in individuals affected with RCBTB1-related conditions. This variant is not present in population databases (gnomAD no frequency). This sequence change replaces valine, which is neutral and non-polar, with phenylalanine, which is neutral and non-polar, at codon 387 of the RCBTB1 protein (p.Val387Phe).

NM_018191.4(RCBTB1):c.1159G>T (p.Val387Phe)

Gene: RCBTB1 (RCC1 and BTB domain containing protein 1; minus strand). Cytogenetic location: 13q14.2.
Variant type: single nucleotide variant.
Coding change: c.1159G>T on transcript NM_018191.4 (MANE Select); coding-DNA position 1159, G replaced by T.
Protein change: p.Val387Phe; replaces valine 387 with phenylalanine.
Molecular consequence: missense variant. On other transcripts: non-coding transcript variant (2).
Genome position (GRCh38, 1-based): chr13:49,544,750, C>A on the plus strand (G>T on the coding strand, the complement: RCBTB1 is on the minus strand). VCF-style: chr13-49544750-C-A. GRCh37 (hg19) VCF-style: chr13-50118886-C-A.
Other names: c.1159G>T, p.Val387Phe (NM_001352500.2, NM_001352501.2, NM_001352502.2 and 2 more transcripts); c.580G>T, p.Val194Phe (NM_001352506.2); short protein forms V194F, V387F.
Identifiers: ClinVar variation 1026277 (VCV001026277.8), dbSNP rs562655637, ClinGen allele CA388188388.